The following is an entry in ClinVar:

NM_000069.3(CACNA1S):c.3339C>A (p.Tyr1113Ter)

Gene: CACNA1S (calcium voltage-gated channel subunit alpha1 S; minus strand). Cytogenetic location: 1q32.1.
Variant type: single nucleotide variant.
Coding change: c.3339C>A on transcript NM_000069.3 (MANE Select); coding-DNA position 3339, C replaced by A.
Protein change: p.Tyr1113Ter; replaces tyrosine 1113 with a stop codon.
Molecular consequence: nonsense.
Genome position (GRCh38, 1-based): chr1:201,060,733, G>T on the plus strand (C>A on the coding strand, the complement: CACNA1S is on the minus strand). VCF-style: chr1-201060733-G-T. GRCh37 (hg19) VCF-style: chr1-201029861-G-T.
Other names: short protein forms Y1113*.
Identifiers: ClinVar variation 3755793 (VCV003755793.2).

ClinVar aggregate classification (germline): Pathogenic (1 of 4 stars; one submission).

Conditions:
Hypokalemic periodic paralysis, type 1. Also called: HypoPP; Hypokalemic Periodic Paralysis Type 1 (AD). Identifiers: Orphanet 681, MedGen C3714580, MONDO:0042979, OMIM 170400.
Malignant hyperthermia, susceptibility to, 5 (MHS5). Also called: CACNA1S-Related Malignant Hyperthermia Susceptibility. Identifiers: Orphanet 423, MedGen C1866077, MONDO:0011163, OMIM 601887.

Submission:

Labcorp Genetics (formerly Invitae), Labcorp
Classification: Pathogenic for Hypokalemic periodic paralysis, type 1; Malignant hyperthermia, susceptibility to, 5. Last evaluated: 2024-04-10. Review status: criteria provided, single submitter. Criteria: Invitae Variant Classification Sherloc (09022015). Collection method: clinical testing. Allele origin: germline.
Comment: This sequence change creates a premature translational stop signal (p.Tyr1113*) in the CACNA1S gene. It is expected to result in an absent or disrupted protein product. Loss-of-function variants in CACNA1S are known to be pathogenic (PMID: 26247046, 28012042). This variant is not present in population databases (gnomAD no frequency). This variant has not been reported in the literature in individuals affected with CACNA1S-related conditions. For these reasons, this variant has been classified as Pathogenic.

Literature cited by the submitters: PubMed 26247046; PubMed 28012042.